The following is an entry in ClinVar:

ClinVar aggregate classification (germline): Uncertain significance (1 of 4 stars; one submission).

Conditions:
WDFY3-related disorder.

Submission:

PreventionGenetics, part of Exact Sciences
Classification: Uncertain significance for WDFY3-related condition. Last evaluated: 2023-06-29. Review status: criteria provided, single submitter. Criteria: ACMG Guidelines, 2015. Collection method: clinical testing. Allele origin: germline.
Comment: The WDFY3 c.2392C>G variant is predicted to result in the amino acid substitution p.Pro798Ala. To our knowledge, this variant has not been reported in the literature or in a large population database, indicating this variant is rare. At this time, the clinical significance of this variant is uncertain due to the absence of conclusive functional and genetic evidence.

NM_014991.6(WDFY3):c.2392C>G (p.Pro798Ala)

Genes: WDFY3 (WD repeat and FYVE domain containing 3; minus strand), WDFY3-AS1 (WDFY3 antisense RNA 1; plus strand). Cytogenetic location: 4q21.23.
Variant type: single nucleotide variant.
Coding change: c.2392C>G on transcript NM_014991.6 (MANE Select); coding-DNA position 2392, C replaced by G.
Protein change: p.Pro798Ala; replaces proline 798 with alanine.
Molecular consequence: missense variant.
Genome position (GRCh38, 1-based): chr4:84,808,371, G>C on the plus strand (C>G on the coding strand, the complement: WDFY3 is on the minus strand). VCF-style: chr4-84808371-G-C. GRCh37 (hg19) VCF-style: chr4-85729524-G-C.
Other names: short protein forms P798A.
Identifiers: ClinVar variation 2632680 (VCV002632680.1), dbSNP rs2534214728, ClinGen allele CA357566755.
Genomic context (GRCh38, chr4:84,808,371, plus strand): 5'-GACTTCTCTTATATGATCAGTACCTTTTCCTGGACAAAGCTGGTGTACCCCAAGGAGAGG[G>C]GAGAGAAGACTCACTTGTCAGGCAAGGAGGGATCTGTTCTGCACGACTACAGACAACAAA-3'
Protein context (NP_055806.2, residues 788-808): PPCLTSESSL[Pro798Ala]SPWGTPALSR